The following is an entry in ClinVar:

NM_001029883.3(PCARE):c.3316G>A (p.Glu1106Lys)

Gene: PCARE (photoreceptor cilium actin regulator; minus strand). Cytogenetic location: 2p23.2.
Variant type: single nucleotide variant.
Coding change: c.3316G>A on transcript NM_001029883.3 (MANE Select); coding-DNA position 3316, G replaced by A.
Protein change: p.Glu1106Lys; replaces glutamic acid 1106 with lysine.
Molecular consequence: missense variant.
Genome position (GRCh38, 1-based): chr2:29,070,946, C>T on the plus strand (G>A on the coding strand, the complement: PCARE is on the minus strand). VCF-style: chr2-29070946-C-T. GRCh37 (hg19) VCF-style: chr2-29293812-C-T.
Other names: short protein forms E1106K.
Identifiers: ClinVar variation 2957347 (VCV002957347.3), dbSNP rs776132505, ClinGen allele CA1591962.

ClinVar aggregate classification (germline): Uncertain significance. Review status: criteria provided, multiple submitters, no conflicts (2 of 4 stars). 2 submissions from 2 submitters: Uncertain significance (2). Last evaluated 2024-01-29.

Allele frequency attached by ClinVar (database versions not stated): ExAC 0.00001; gnomAD exomes 0.00001; gnomAD 0.00002; TOPMed 0.00002.
gnomAD v4.1: 10 of 1,612,404 alleles (0.00062%); highest among the groups gnomAD compares: Admixed American, 0.015%; no homozygotes.

Submissions (2):

Labcorp Genetics (formerly Invitae), Labcorp
Classification: Uncertain significance. Last evaluated: 2024-01-29. Review status: criteria provided, single submitter. Criteria: Invitae Variant Classification Sherloc (09022015). Collection method: clinical testing. Allele origin: germline.
Comment: This sequence change replaces glutamic acid, which is acidic and polar, with lysine, which is basic and polar, at codon 1106 of the PCARE protein (p.Glu1106Lys). This variant is present in population databases (rs776132505, gnomAD 0.02%). This variant has not been reported in the literature in individuals affected with PCARE-related conditions. An algorithm developed to predict the effect of missense changes on protein structure and function (PolyPhen-2) suggests that this variant¬¨‚Ä†is likely to be tolerated. In summary, the available evidence is currently insufficient to determine the role of this variant in disease. Therefore, it has been classified as a Variant of Uncertain Significance.

Blueprint Genetics
Classification: Uncertain significance. Last evaluated: 2021-07-13. Review status: criteria provided, single submitter. Criteria: ACMG Guidelines, 2015. Collection method: clinical testing. Allele origin: germline.